The following is an entry in ClinVar:

NM_182925.5(FLT4):c.2275TCC[1] (p.Ser760del)

Genes: FLT4 (fms related receptor tyrosine kinase 4; minus strand), LOC126807632 (CDK7 strongly-dependent group 2 enhancer GRCh37_chr5:180046831-180048030; plus strand). Cytogenetic location: 5q35.3.
Variant type: Microsatellite.
Coding change: c.2275TCC[1] on transcript NM_182925.5 (MANE Select); one copy of the 3-base unit TCC starting at c.2275; the reference has two copies in a row; one copy, 3 bases deleted.
Protein change: p.Ser760del; deletes serine 760.
Genome position (GRCh38, 1-based): chr5:180,620,895-180,620,897, GGA deleted on the plus strand (TCC on the coding strand, the reverse complement: FLT4 is on the minus strand); deleting any 3 consecutive bases within chr5:180,620,895-180,620,901 gives the same sequence; the position shown is the placement nearest the transcript's 3' end. VCF-style (leftmost placement, unchanged base first): chr5-180620894-CGGA-C. GRCh37 (hg19) VCF-style: chr5-180047894-CGGA-C.
Other names: c.2275TCC[1], p.Ser760del (NM_001354989.2, NM_002020.5); short protein forms S760del.
Identifiers: ClinVar variation 3360586 (VCV003360586.1).
Genomic context (GRCh38, chr5:180,620,894, plus strand): 5'-GGGGACGGGAAGGGAGTTGAGGGGTGCAGCCTGAGGCCAGACCTTCCACGGCCACGCTGG[CGGA>C]GGAGTTGACGCAGCCCTTGGCGTTGCACACGCTGCACAGATAGCGTCCCGCATCCTCCTC-3'

ClinVar aggregate classification (germline): Uncertain significance (1 of 4 stars; one submission).

Submission:

GeneDx
Classification: Uncertain significance. Last evaluated: 2023-06-27. Review status: criteria provided, single submitter. Criteria: GeneDx Variant Classification Process June 2021. Collection method: clinical testing. Allele origin: germline. Affected: yes.
Comment: Not observed at significant frequency in large population cohorts (gnomAD); In-frame deletion of 1 amino acid in a non-repeat region; In silico analysis supports a deleterious effect on protein structure/function; Has not been previously published as pathogenic or benign to our knowledge